The following is an entry in ClinVar:

ClinVar aggregate classification (germline): Uncertain significance (1 of 4 stars; one submission).

Submission:

Labcorp Genetics (formerly Invitae), Labcorp
Classification: Uncertain significance. Last evaluated: 2025-06-22. Review status: criteria provided, single submitter. Criteria: Invitae Variant Classification Sherloc (09022015). Collection method: clinical testing. Allele origin: germline.
Comment: This variant, c.2689_2691del, results in the deletion of 1 amino acid(s) of the SETD5 protein (p.Thr897del), but otherwise preserves the integrity of the reading frame. This variant is not present in population databases (gnomAD no frequency). This variant has not been reported in the literature in individuals affected with SETD5-related conditions. Experimental studies and prediction algorithms are not available or were not evaluated, and the functional significance of this variant is currently unknown. In summary, the available evidence is currently insufficient to determine the role of this variant in disease. Therefore, it has been classified as a Variant of Uncertain Significance.

NM_001080517.3(SETD5):c.2686ACT[1] (p.Thr897del)

Gene: SETD5 (SET domain containing 5; plus strand). Cytogenetic location: 3p25.3.
Variant type: Microsatellite.
Coding change: c.2686ACT[1] on transcript NM_001080517.3 (MANE Select); one copy of the 3-base unit ACT starting at c.2686; the reference has two copies in a row; one copy, 3 bases deleted.
Protein change: p.Thr897del; deletes threonine 897.
Molecular consequence: inframe deletion.
Genome position (GRCh38, 1-based): chr3:9,464,637-9,464,639, ACT deleted; deleting any 3 consecutive bases within chr3:9,464,633-9,464,639 gives the same sequence; the position shown is the placement nearest the transcript's 3' end. VCF-style (leftmost placement, unchanged base first): chr3-9464632-TTAC-T. GRCh37 (hg19) VCF-style: chr3-9506316-TTAC-T.
Other names: c.2392ACT[1], p.Thr799del (NM_001292043.2, NM_001349451.2); c.2782ACT[1], p.Thr929del (NM_001437633.1); c.2743ACT[1], p.Thr916del (NM_001437635.1); c.2686ACT[1], p.Thr897del (NM_001437643.1); c.2725ACT[1], p.Thr910del (NM_001437701.1); short protein forms T897del, T916del, T799del, T910del, T929del.
Identifiers: ClinVar variation 4711402 (VCV004711402.1).